The following is an entry in ClinVar:

ClinVar aggregate classification (germline): Likely benign. Review status: criteria provided, multiple submitters, no conflicts (2 of 4 stars). 3 submissions from 3 submitters: Likely benign (2). 1 of the submissions does not count toward it. Last evaluated 2025-11-03.

Conditions:
PCNT-related disorder. Also called: PCNT-related condition.
Microcephalic osteodysplastic primordial dwarfism type II (MOPD2). Also called: Microcephalic osteodysplastic primordial dwarfism with tooth abnormalities; MOPD II; OSTEODYSPLASTIC PRIMORDIAL DWARFISM, TYPE II. Identifiers: Orphanet 2637, MedGen C0432246, MONDO:0008872, OMIM 210720.

Allele frequency attached by ClinVar (database versions not stated): ExAC 0.00001; gnomAD 0.00001; gnomAD exomes 0.00001 and 0.00002; TOPMed 0.00003.
gnomAD v4.1: 28 of 1,614,028 alleles (0.0017%); highest among the groups gnomAD compares: East Asian, 0.0045%; no homozygotes.

Submissions (3):

Labcorp Genetics (formerly Invitae), Labcorp
Classification: Likely benign. Last evaluated: 2025-11-03. Review status: criteria provided, single submitter. Criteria: Invitae Variant Classification Sherloc (09022015). Collection method: clinical testing. Allele origin: germline.

ARUP Laboratories, Molecular Genetics and Genomics, ARUP Laboratories
Classification: Likely benign for Microcephalic osteodysplastic primordial dwarfism type II. Last evaluated: 2020-07-02. Review status: criteria provided, single submitter. Criteria: ARUP Molecular Germline Variant Investigation Process. Collection method: clinical testing. Allele origin: germline.

PreventionGenetics, part of Exact Sciences
Classification: Likely benign for PCNT-related condition. Last evaluated: 2023-02-18. Review status: no assertion criteria provided. Collection method: clinical testing. Allele origin: germline. Not counted in ClinVar's aggregate classification.
Comment: This variant is classified as likely benign based on ACMG/AMP sequence variant interpretation guidelines (Richards et al. 2015 PMID: 25741868, with internal and published modifications).

NM_006031.6(PCNT):c.3030G>A (p.Thr1010=)

Gene: PCNT (pericentrin; plus strand). Cytogenetic location: 21q22.3.
Variant type: single nucleotide variant.
Coding change: c.3030G>A on transcript NM_006031.6 (MANE Select); coding-DNA position 3030, G replaced by A.
Protein change: p.Thr1010=; no amino-acid change (threonine 1010 retained).
Molecular consequence: synonymous variant.
Genome position (GRCh38, 1-based): chr21:46,367,004, G>A. VCF-style: chr21-46367004-G-A. GRCh37 (hg19) VCF-style: chr21-47786919-G-A.
Other names: c.3030G>A (NM_006031.5); c.2676G>A, p.Thr892= (NM_001315529.2).
Identifiers: ClinVar variation 994365 (VCV000994365.13), dbSNP rs752831769, ClinGen allele CA10079152.